The following is an entry in ClinVar:

ClinVar aggregate classification (germline): Uncertain significance. Review status: criteria provided, multiple submitters, no conflicts (2 of 4 stars). 4 submissions from 4 submitters: Uncertain significance (4). Last evaluated 2026-01-13.

Conditions:
Cardiovascular phenotype. Identifiers: MedGen CN230736.

Allele frequency attached by ClinVar (database versions not stated): ExAC 0.00005; gnomAD 0.00005 and 0.00006; gnomAD exomes 0.00007 and 0.00016; TOPMed 0.00008.
gnomAD v4.1: 220 of 1,550,132 alleles (0.014%); highest among the groups gnomAD compares: Non-Finnish European, 0.019%; no homozygotes.

Submissions (4):

Women's Health and Genetics/Laboratory Corporation of America, LabCorp
Classification: Uncertain significance. Last evaluated: 2026-01-13. Review status: criteria provided, single submitter. Criteria: LabCorp Variant Classification Summary - May 2015. Collection method: clinical testing. Allele origin: germline.
Comment: Variant summary: ZNF469 c.5347G>A (p.Ala1783Thr) results in a non-conservative amino acid change in the encoded protein sequence. Algorithms developed to predict the effect of missense changes on protein structure and function are either unavailable or do not agree on the potential impact of this missense change. The variant allele was found at a frequency of 6.6e-05 in 152412 control chromosomes. This frequency is not significantly higher than estimated for disease-causing variants in ZNF469, allowing no conclusion about variant significance. To our knowledge, no occurrence of c.5347G>A in individuals affected with ZNF469-related conditions and no experimental evidence demonstrating its impact on protein function have been reported. ClinVar contains an entry for this variant (Variation ID: 451337). Based on the evidence outlined above, the variant was classified as uncertain significance.

Labcorp Genetics (formerly Invitae), Labcorp
Classification: Uncertain significance. Last evaluated: 2025-01-19. Review status: criteria provided, single submitter. Criteria: Invitae Variant Classification Sherloc (09022015). Collection method: clinical testing. Allele origin: germline.
Comment: This sequence change replaces alanine, which is neutral and non-polar, with threonine, which is neutral and polar, at codon 1755 of the ZNF469 protein (p.Ala1755Thr). This variant is present in population databases (rs754873241, gnomAD 0.01%). This variant has not been reported in the literature in individuals affected with ZNF469-related conditions. ClinVar contains an entry for this variant (Variation ID: 451337). An algorithm developed to predict the effect of missense changes on protein structure and function outputs the following: PolyPhen-2: "Benign". The threonine amino acid residue is found in multiple mammalian species, which suggests that this missense change does not adversely affect protein function. In summary, the available evidence is currently insufficient to determine the role of this variant in disease. Therefore, it has been classified as a Variant of Uncertain Significance.

Ambry Genetics
Classification: Uncertain significance for Cardiovascular phenotype. Last evaluated: 2024-08-16. Review status: criteria provided, single submitter. Criteria: Ambry Variant Classification Scheme 2023. Collection method: clinical testing. Allele origin: germline.
Comment: The p.A1755T variant (also known as c.5263G>A), located in coding exon 2 of the ZNF469 gene, results from a G to A substitution at nucleotide position 5263. The alanine at codon 1755 is replaced by threonine, an amino acid with similar properties. This amino acid position is conserved. In addition, this alteration is predicted to be tolerated by in silico analysis. Since supporting evidence is limited at this time, the clinical significance of this alteration remains unclear.

GeneDx
Classification: Uncertain significance. Last evaluated: 2020-10-06. Review status: criteria provided, single submitter. Criteria: GeneDx Variant Classification Process June 2021. Collection method: clinical testing. Allele origin: germline. Affected: yes.
Comment: Has not been previously published as pathogenic or benign to our knowledge; Not observed at a significant frequency in large population cohorts (Lek et al., 2016); In silico analysis supports that this missense variant does not alter protein structure/function

NM_001367624.2(ZNF469):c.5347G>A (p.Ala1783Thr)

Gene: ZNF469 (zinc finger protein 469; plus strand). Cytogenetic location: 16q24.2.
Variant type: single nucleotide variant.
Coding change: c.5347G>A on transcript NM_001367624.2 (MANE Select); coding-DNA position 5347, G replaced by A.
Protein change: p.Ala1783Thr; replaces alanine 1783 with threonine.
Molecular consequence: missense variant.
Genome position (GRCh38, 1-based): chr16:88,432,817, G>A. VCF-style: chr16-88432817-G-A. GRCh37 (hg19) VCF-style: chr16-88499225-G-A.
Other names: NM_001127464.1:c.5263G>A; short protein forms A1783T.
Identifiers: ClinVar variation 451337 (VCV000451337.11), dbSNP rs754873241, ClinGen allele CA8225072.
Genomic context (GRCh38, chr16:88,432,817, plus strand): 5'-GACTCCCTGCGGCTGCTTCCCTGTGAACAGAGAGGAGGGTTCCTCCCAGAGCCCGGCACA[G>A]CAGACCAGCCCCACCGAGGGGCCCCTGCTCCAGAAGCTTTTGGCAGCCCTGCTGTCCATC-3'
Protein context (NP_001354553.1, residues 1773-1793): RGGFLPEPGT[Ala1783Thr]DQPHRGAPAP